The following is an entry in ClinVar:

NM_001220.5(CAMK2B):c.1801A>C (p.Thr601Pro)

Gene: CAMK2B (calcium/calmodulin dependent protein kinase II beta; minus strand). Cytogenetic location: 7p13.
Variant type: single nucleotide variant.
Coding change: c.1801A>C on transcript NM_001220.5 (MANE Select); coding-DNA position 1801, A replaced by C.
Protein change: p.Thr601Pro; replaces threonine 601 with proline.
Molecular consequence: missense variant.
Genome position (GRCh38, 1-based): chr7:44,220,262, T>G on the plus strand (A>C on the coding strand, the complement: CAMK2B is on the minus strand). VCF-style: chr7-44220262-T-G. GRCh37 (hg19) VCF-style: chr7-44259861-T-G.
Other names: c.1429A>C, p.Thr477Pro (NM_001293170.2, NM_172078.3); c.1357A>C, p.Thr453Pro (NM_172079.3); c.1354A>C, p.Thr452Pro (NM_172080.3); c.1312A>C, p.Thr438Pro (NM_172081.3); c.1279A>C, p.Thr427Pro (NM_172082.3); c.1240A>C, p.Thr414Pro (NM_172083.3); c.1150A>C, p.Thr384Pro (NM_172084.3); short protein forms T384P, T414P, T427P, T438P, T452P, T453P, T477P, T601P.
Identifiers: ClinVar variation 3363417 (VCV003363417.1).
Genomic context (GRCh38, chr7:44,220,262, plus strand): 5'-GGATGTAAGCGATGCAGGCGGCATCCTCTCCAATGACGTGCACGTGTGGGTTCAGGATGG[T>G]CGTGTGGATCGGCTTGCTGTTCTTGGCCAGCACTGTGGACAGCAGGCGGGGCGGGGGTCT-3'
Protein context (NP_001211.3, residues 591-611): LAKNSKPIHT[Thr601Pro]ILNPHVHVIG

ClinVar aggregate classification (germline): Uncertain significance (1 of 4 stars; one submission).

Submission:

GeneDx
Classification: Uncertain significance. Last evaluated: 2023-10-23. Review status: criteria provided, single submitter. Criteria: GeneDx Variant Classification Process June 2021. Collection method: clinical testing. Allele origin: germline. Affected: yes.
Comment: Not observed at significant frequency in large population cohorts (gnomAD); In silico analysis supports that this missense variant has a deleterious effect on protein structure/function; Has not been previously published as pathogenic or benign to our knowledge